The following is an entry in ClinVar:

NM_014252.4(SLC25A15):c.55+17C>G

Gene: SLC25A15 (solute carrier family 25 member 15; plus strand). Cytogenetic location: 13q14.11.
Variant type: single nucleotide variant.
Coding change: c.55+17C>G on transcript NM_014252.4 (MANE Select); 17 bases into the intron after coding-DNA position 55, C replaced by G.
Molecular consequence: intron variant.
Genome position (GRCh38, 1-based): chr13:40,793,298, C>G. VCF-style: chr13-40793298-C-G. GRCh37 (hg19) VCF-style: chr13-41367434-C-G.
Identifiers: ClinVar variation 511204 (VCV000511204.8), dbSNP rs552201985, ClinGen allele CA609471127.
Genomic context (GRCh38, chr13:40,793,298, plus strand): 5'-TCCTGCTATCCAGGCTGCCATTGACCTCACAGCGGGGGCTGCAGGTACAGTCATGTGCCT[C>G]ATCACCATGTTTCTGTCGTTGATGGATGGTGTATCTGATGGTGGTCCCATGAGATTATAC-3'

ClinVar aggregate classification (germline): Likely benign. Review status: criteria provided, multiple submitters, no conflicts (2 of 4 stars). 2 submissions from 2 submitters: Likely benign (2). Last evaluated 2026-01-27.

Conditions:
Hyperornithinemia-hyperammonemia-homocitrullinuria syndrome (HHHS). Also called: Ornithine translocase deficiency; HHH SYNDROME. Identifiers: Orphanet 415, MedGen C0268540, MONDO:0009393, OMIM 238970.

Allele frequency attached by ClinVar (database versions not stated): gnomAD exomes 0.00001; gnomAD 0.00008 and 0.00009; TOPMed 0.00012.

Submissions (2):

Labcorp Genetics (formerly Invitae), Labcorp
Classification: Likely benign for Hyperornithinemia-hyperammonemia-homocitrullinuria syndrome. Last evaluated: 2026-01-27. Review status: criteria provided, single submitter. Criteria: Invitae Variant Classification Sherloc (09022015). Collection method: clinical testing. Allele origin: germline.

GeneDx
Classification: Likely benign. Last evaluated: 2017-08-15. Review status: criteria provided, single submitter. Criteria: GeneDx Variant Classification (06012015). Collection method: clinical testing. Allele origin: germline. Affected: yes.
Comment: This variant is considered likely benign or benign based on one or more of the following criteria: it is a conservative change, it occurs at a poorly conserved position in the protein, it is predicted to be benign by multiple in silico algorithms, and/or has population frequency not consistent with disease.